The following is an entry in ClinVar:

NM_014425.5(INVS):c.2009T>C (p.Leu670Pro)

Gene: INVS (inversin; plus strand). Cytogenetic location: 9q31.1.
Variant type: single nucleotide variant.
Coding change: c.2009T>C on transcript NM_014425.5 (MANE Select); coding-DNA position 2009, T replaced by C.
Protein change: p.Leu670Pro; replaces leucine 670 with proline.
Molecular consequence: missense variant. On other transcripts: non-coding transcript variant (1).
Genome position (GRCh38, 1-based): chr9:100,284,544, T>C. VCF-style: chr9-100284544-T-C. GRCh37 (hg19) VCF-style: chr9-103046826-T-C.
Other names: c.1721T>C, p.Leu574Pro (NM_001318381.2); c.1031T>C, p.Leu344Pro (NM_001318382.2); c.2009T>C (NM_014425.2); short protein forms L670P, L344P, L574P.
Identifiers: ClinVar variation 462711 (VCV000462711.6), dbSNP rs762112247, ClinGen allele CA5158530.

ClinVar aggregate classification (germline): Conflicting classifications of pathogenicity. Review status: criteria provided, conflicting classifications (1 of 4 stars). 3 submissions from 3 submitters: Uncertain significance (2); Likely benign (1). Last evaluated 2025-08-01.

Conditions:
Infantile nephronophthisis (NPHP2). Also called: Nephronophthisis 2; Nephronophthisis 2, infantile. Identifiers: Orphanet 655, Orphanet 93591, MedGen C1865872, MONDO:0011190, OMIM 602088.
Nephronophthisis. Also called: Juvenile Nephronophthisis. Identifiers: Orphanet 655, MedGen C0687120, MONDO:0019005, HP:0000090.
Inborn genetic diseases. Identifiers: MedGen C0950123, MeSH D030342.

Allele frequency attached by ClinVar (database versions not stated): TOPMed 0.00001; ExAC 0.00002; gnomAD 0.00002; gnomAD exomes 0.00002 and 0.00003.
gnomAD v4.1: 41 of 1,613,810 alleles (0.0025%); highest among the groups gnomAD compares: Admixed American, 0.0033%; no homozygotes.

Submissions (3):

Ambry Genetics
Classification: Likely benign for Inborn genetic diseases. Last evaluated: 2025-08-01. Review status: criteria provided, single submitter. Criteria: Ambry Variant Classification Scheme 2023. Collection method: clinical testing. Allele origin: germline.

Labcorp Genetics (formerly Invitae), Labcorp
Classification: Uncertain significance for Nephronophthisis. Last evaluated: 2022-08-05. Review status: criteria provided, single submitter. Criteria: Invitae Variant Classification Sherloc (09022015). Collection method: clinical testing. Allele origin: germline.
Comment: This sequence change replaces leucine, which is neutral and non-polar, with proline, which is neutral and non-polar, at codon 670 of the INVS protein (p.Leu670Pro). This variant is present in population databases (rs762112247, gnomAD 0.006%). This variant has not been reported in the literature in individuals affected with INVS-related conditions. ClinVar contains an entry for this variant (Variation ID: 462711). Algorithms developed to predict the effect of missense changes on protein structure and function output the following: SIFT: "Tolerated"; PolyPhen-2: "Benign"; Align-GVGD: "Class C0". The proline amino acid residue is found in multiple mammalian species, which suggests that this missense change does not adversely affect protein function. In summary, the available evidence is currently insufficient to determine the role of this variant in disease. Therefore, it has been classified as a Variant of Uncertain Significance.

Fulgent Genetics
Classification: Uncertain significance for Infantile nephronophthisis. Last evaluated: 2021-11-22. Review status: criteria provided, single submitter. Criteria: ACMG Guidelines, 2015. Collection method: clinical testing. Allele origin: unknown.